The following is an entry in ClinVar:

NM_001367721.1(CASK):c.2179A>C (p.Thr727Pro)

Gene: CASK (calcium/calmodulin dependent serine protein kinase; minus strand). Cytogenetic location: Xp11.4.
Variant type: single nucleotide variant.
Coding change: c.2179A>C on transcript NM_001367721.1 (MANE Select); coding-DNA position 2179, A replaced by C.
Protein change: p.Thr727Pro; replaces threonine 727 with proline.
Molecular consequence: missense variant.
Genome position (GRCh38, 1-based): chrX:41,534,950, T>G on the plus strand (A>C on the coding strand, the complement: CASK is on the minus strand). VCF-style: chrX-41534950-T-G. GRCh37 (hg19) VCF-style: chrX-41394203-T-G.
Other names: c.2095A>C, p.Thr699Pro (NM_001126054.3); c.2092A>C, p.Thr698Pro (NM_001126055.3); c.2161A>C, p.Thr721Pro (NM_001410745.1); c.2164A>C, p.Thr722Pro (NM_003688.4); short protein forms T699P, T727P, T698P, T722P, T721P.
Identifiers: ClinVar variation 1390988 (VCV001390988.6), dbSNP rs2147096327, ClinGen allele CA412991925.

ClinVar aggregate classification (germline): Uncertain significance (1 of 4 stars; one submission).

Conditions:
Intellectual disability, CASK-related, X-linked. Identifiers: MedGen CN043158.

Submission:

Labcorp Genetics (formerly Invitae), Labcorp
Classification: Uncertain significance for Intellectual disability, CASK-related, X-linked. Last evaluated: 2021-11-03. Review status: criteria provided, single submitter. Criteria: Invitae Variant Classification Sherloc (09022015). Collection method: clinical testing. Allele origin: germline.
Comment: In summary, the available evidence is currently insufficient to determine the role of this variant in disease. Therefore, it has been classified as a Variant of Uncertain Significance. Algorithms developed to predict the effect of missense changes on protein structure and function (SIFT, PolyPhen-2, Align-GVGD) all suggest that this variant is likely to be disruptive. This variant has not been reported in the literature in individuals affected with CASK-related conditions. This variant is not present in population databases (gnomAD no frequency). This sequence change replaces threonine, which is neutral and polar, with proline, which is neutral and non-polar, at codon 722 of the CASK protein (p.Thr722Pro).